The following is an entry in ClinVar:

ClinVar aggregate classification (germline): Likely benign. Review status: criteria provided, multiple submitters, no conflicts (2 of 4 stars). 2 submissions from 2 submitters: Likely benign (2). Last evaluated 2026-09-01.

Conditions:
Combined oxidative phosphorylation defect type 14. Also called: Combined oxidative phosphorylation deficiency 14. Identifiers: Orphanet 319519, MedGen C4755312, MONDO:0013986, OMIM 614946.

Allele frequency attached by ClinVar (database versions not stated): gnomAD exomes below 0.00001; ExAC 0.00001.
gnomAD v4.1: 5 of 1,613,796 alleles (0.00031%); highest among the groups gnomAD compares: Middle Eastern, 0.016%; no homozygotes.

Submissions (2):

CeGaT Center for Human Genetics Tuebingen
Classification: Likely benign. Last evaluated: 2026-09-01. Review status: criteria provided, single submitter. Criteria: CeGaT Center For Human Genetics Tuebingen Variant Classification Criteria Version 2. Collection method: clinical testing. Allele origin: germline. Affected: yes. Observed: 1 variant allele.
Comment: FARS2: BP4, BP7

Labcorp Genetics (formerly Invitae), Labcorp
Classification: Likely benign for Combined oxidative phosphorylation defect type 14. Last evaluated: 2024-06-22. Review status: criteria provided, single submitter. Criteria: Invitae Variant Classification Sherloc (09022015). Collection method: clinical testing. Allele origin: germline.

NM_006567.5(FARS2):c.1041C>T (p.Asn347=)

Gene: FARS2 (phenylalanyl-tRNA synthetase 2, mitochondrial; plus strand). Cytogenetic location: 6p25.1.
Variant type: single nucleotide variant.
Coding change: c.1041C>T on transcript NM_006567.5 (MANE Select); coding-DNA position 1041, C replaced by T.
Protein change: p.Asn347=; no amino-acid change (asparagine 347 retained).
Molecular consequence: synonymous variant.
Genome position (GRCh38, 1-based): chr6:5,545,316, C>T. VCF-style: chr6-5545316-C-T. GRCh37 (hg19) VCF-style: chr6-5545549-C-T.
Other names: c.1041C>T, p.Asn347= (NM_001318872.2, NM_001374875.1, NM_001374876.1 and 4 more transcripts); c.909C>T, p.Asn303= (NM_001375258.1); c.345C>T, p.Asn115= (NM_001375259.1, NM_001375260.1).
Identifiers: ClinVar variation 1141140 (VCV001141140.10), dbSNP rs769518528, ClinGen allele CA3623857.